The following is an entry in ClinVar:

ClinVar aggregate classification (germline): Uncertain significance. Review status: criteria provided, multiple submitters, no conflicts (2 of 4 stars). 3 submissions from 3 submitters: Uncertain significance (3). Last evaluated 2026-02-01.

Conditions:
Hereditary sensory neuropathy-deafness-dementia syndrome. Also called: NEUROPATHY, HEREDITARY SENSORY, WITH HEARING LOSS AND DEMENTIA; Hereditary sensory neuropathy type IE; HSN IE; Hereditary Sensory and Autonomic Neuropathy Type 1E (HSAN1E). Identifiers: Orphanet 456318, MedGen C3279885, MONDO:0013584, OMIM 614116.

Allele frequency attached by ClinVar (database versions not stated): gnomAD exomes 0.00001.
gnomAD v4.1: 16 of 1,611,168 alleles (0.00099%); highest among the groups gnomAD compares: Non-Finnish European, 0.0012%; no homozygotes.

Submissions (3):

CeGaT Center for Human Genetics Tuebingen
Classification: Uncertain significance. Last evaluated: 2026-02-01. Review status: criteria provided, single submitter. Criteria: CeGaT Center For Human Genetics Tuebingen Variant Classification Criteria Version 2. Collection method: clinical testing. Allele origin: germline. Affected: yes. Observed: 1 variant allele.

Labcorp Genetics (formerly Invitae), Labcorp
Classification: Uncertain significance for Hereditary sensory neuropathy-deafness-dementia syndrome. Last evaluated: 2024-10-22. Review status: criteria provided, single submitter. Criteria: Invitae Variant Classification Sherloc (09022015). Collection method: clinical testing. Allele origin: germline.
Comment: This sequence change replaces glutamic acid, which is acidic and polar, with lysine, which is basic and polar, at codon 1086 of the DNMT1 protein (p.Glu1086Lys). This variant is not present in population databases (gnomAD no frequency). This variant has not been reported in the literature in individuals affected with DNMT1-related conditions. ClinVar contains an entry for this variant (Variation ID: 1806127). Invitae Evidence Modeling of protein sequence and biophysical properties (such as structural, functional, and spatial information, amino acid conservation, physicochemical variation, residue mobility, and thermodynamic stability) indicates that this missense variant is not expected to disrupt DNMT1 protein function with a negative predictive value of 80%. In summary, the available evidence is currently insufficient to determine the role of this variant in disease. Therefore, it has been classified as a Variant of Uncertain Significance.

Victorian Clinical Genetics Services, Murdoch Childrens Research Institute
Classification: Uncertain significance for Hereditary sensory neuropathy-deafness-dementia syndrome. Last evaluated: 2020-10-19. Review status: criteria provided, single submitter. Criteria: ACMG Guidelines, 2015. Collection method: clinical testing. Allele origin: germline. Inheritance: Autosomal dominant inheritance. Affected: yes.
Comment: Based on the classification scheme VCGS_Germline_v1.3.3, this variant is classified as 3C-VUS. Following criteria are met: 0102 - Loss of function is a likelymechanism of disease in this gene and is associated with cerebellar ataxia, deafness, and narcolepsy (MIM# 604121) and hereditary sensory neuropathy, type IE (MIM# 614116). (I) 0107 - This gene is associated with autosomal dominant disease. (I) 0200 - Variant is predicted to result in a missense amino acid change from glutamic acid to lysine. (I) 0251 - This variant is heterozygous. (I) 0301 - Variant is absent from gnomAD (both v2 and v3). (SP) 0309 - An alternative amino acid change at the same position has been observed in gnomAD (v3: 1 heterozygote, 0 homozygotes). (I) 0503 - Missense variant consistently predicted to be tolerated by multiple in silico tools or not conserved in placental mammals with a minor amino acid change. (SB) 0600 - Variant is located in the annotated BAH_2 domain (DECIPHER, PDB, NCBI). (I) 0705 - No comparable missense variants at this residue have previous evidence for pathogenicity. (I) 0807 - This variant has no previous evidence of pathogenicity. (I) 0905 - No published segregation evidence has been identified for this variant. (I) 1007 - No published functional evidence has been identified for this variant. (I) 1208 - Inheritance information for this variant is not currently available in this individual. (I) Legend: (SP) - Supporting pathogenic, (I) - Information, (SB) - Supporting benign

NM_001130823.3(DNMT1):c.3256G>A (p.Glu1086Lys)

Gene: DNMT1 (DNA methyltransferase 1; minus strand). Cytogenetic location: 19p13.2.
Variant type: single nucleotide variant.
Coding change: c.3256G>A on transcript NM_001130823.3 (MANE Select); coding-DNA position 3256, G replaced by A.
Protein change: p.Glu1086Lys; replaces glutamic acid 1086 with lysine.
Molecular consequence: missense variant.
Genome position (GRCh38, 1-based): chr19:10,142,081, C>T on the plus strand (G>A on the coding strand, the complement: DNMT1 is on the minus strand). VCF-style: chr19-10142081-C-T. GRCh37 (hg19) VCF-style: chr19-10252757-C-T.
Other names: c.3208G>A, p.Glu1070Lys (NM_001318730.2, NM_001379.4); c.2893G>A, p.Glu965Lys (NM_001318731.2); short protein forms E1070K, E1086K, E965K.
Identifiers: ClinVar variation 1806127 (VCV001806127.8), dbSNP rs2513785882, ClinGen allele CA403974906.